The following is an entry in ClinVar:

ClinVar aggregate classification (germline): Uncertain significance. Review status: criteria provided, multiple submitters, no conflicts (2 of 4 stars). 2 submissions from 2 submitters: Uncertain significance (2). Last evaluated 2025-08-22.

Conditions:
Inborn genetic diseases. Identifiers: MedGen C0950123, MeSH D030342.

Allele frequency attached by ClinVar (database versions not stated): gnomAD 0.00001; TOPMed 0.00001; ExAC 0.00002; gnomAD exomes 0.00002.
gnomAD v4.1: 34 of 1,613,816 alleles (0.0021%); highest among the groups gnomAD compares: Middle Eastern, 0.033%; no homozygotes.

Submissions (2):

Ambry Genetics
Classification: Uncertain significance for Inborn genetic diseases. Last evaluated: 2025-08-22. Review status: criteria provided, single submitter. Criteria: Ambry Variant Classification Scheme 2023. Collection method: clinical testing. Allele origin: germline.

Labcorp Genetics (formerly Invitae), Labcorp
Classification: Uncertain significance. Last evaluated: 2024-10-16. Review status: criteria provided, single submitter. Criteria: Invitae Variant Classification Sherloc (09022015). Collection method: clinical testing. Allele origin: germline.
Comment: This sequence change replaces methionine, which is neutral and non-polar, with threonine, which is neutral and polar, at codon 344 of the RTN4IP1 protein (p.Met344Thr). This variant is present in population databases (rs759975101, gnomAD 0.003%). This variant has not been reported in the literature in individuals affected with RTN4IP1-related conditions. ClinVar contains an entry for this variant (Variation ID: 937159). Invitae Evidence Modeling of protein sequence and biophysical properties (such as structural, functional, and spatial information, amino acid conservation, physicochemical variation, residue mobility, and thermodynamic stability) indicates that this missense variant is not expected to disrupt RTN4IP1 protein function with a negative predictive value of 80%. In summary, the available evidence is currently insufficient to determine the role of this variant in disease. Therefore, it has been classified as a Variant of Uncertain Significance.

NM_032730.5(RTN4IP1):c.1031T>C (p.Met344Thr)

Gene: RTN4IP1 (reticulon 4 interacting protein 1; minus strand). Cytogenetic location: 6q21.
Variant type: single nucleotide variant.
Coding change: c.1031T>C on transcript NM_032730.5 (MANE Select); coding-DNA position 1031, T replaced by C.
Protein change: p.Met344Thr; replaces methionine 344 with threonine.
Molecular consequence: missense variant.
Genome position (GRCh38, 1-based): chr6:106,583,380, A>G on the plus strand (T>C on the coding strand, the complement: RTN4IP1 is on the minus strand). VCF-style: chr6-106583380-A-G. GRCh37 (hg19) VCF-style: chr6-107031255-A-G.
Other names: c.731T>C, p.Met244Thr (NM_001318746.1); short protein forms M244T, M344T.
Identifiers: ClinVar variation 937159 (VCV000937159.8), dbSNP rs759975101, ClinGen allele CA3944305.